The following is an entry in ClinVar:

NM_000059.4(BRCA2):c.468T>G (p.Asp156Glu)

Gene: BRCA2 (BRCA2 DNA repair associated; plus strand). Cytogenetic location: 13q13.1.
Variant type: single nucleotide variant.
Coding change: c.468T>G on transcript NM_000059.4 (MANE Select); coding-DNA position 468, T replaced by G.
Protein change: p.Asp156Glu; replaces aspartic acid 156 with glutamic acid.
Molecular consequence: missense variant.
Genome position (GRCh38, 1-based): chr13:32,326,143, T>G. VCF-style: chr13-32326143-T-G. GRCh37 (hg19) VCF-style: chr13-32900280-T-G.
Other names: short protein forms D156E.
Identifiers: ClinVar variation 1006966 (VCV001006966.14), dbSNP rs1197305103, ClinGen allele CA387757225.

ClinVar aggregate classification (germline): Conflicting classifications of pathogenicity. Review status: criteria provided, conflicting classifications (1 of 4 stars). 3 submissions from 3 submitters: Uncertain significance (2); Likely benign (1). Last evaluated 2022-08-29.

Conditions:
Hereditary cancer-predisposing syndrome. Also called: Hereditary neoplastic syndrome; Neoplastic Syndromes, Hereditary; Tumor predisposition; Hereditary Cancer Syndrome. Identifiers: Orphanet 140162, MedGen C0027672, MeSH D009386, MONDO:0015356.
Hereditary breast ovarian cancer syndrome. Also called: Hereditary breast and/or ovarian cancer syndrome; Hereditary breast and ovarian cancer syndrome; Hereditary breast and ovarian cancer syndrome (HBOC); Breast and ovarian cancer; BRCA1- and BRCA2-Associated Hereditary Breast and Ovarian Cancer; Hereditary breast and ovarian cancer. Identifiers: Orphanet 145, MedGen C0677776, MeSH D061325, MONDO:0003582. Disease mechanism: loss of function.

gnomAD v4.1: 1 of 1,609,132 alleles (0.000062%); highest among the groups gnomAD compares: South Asian, 0.0011%; no homozygotes.

Submissions (3):

Color Diagnostics, LLC DBA Color Health
Classification: Uncertain significance for Hereditary cancer-predisposing syndrome. Last evaluated: 2022-08-29. Review status: criteria provided, single submitter. Criteria: ACMG Guidelines, 2015. Collection method: clinical testing. Allele origin: germline.
Comment: This missense variant replaces aspartic acid with glutamic acid at codon 156 of the BRCA2 protein. Computational prediction suggests that this variant may not impact protein structure and function (internally defined REVEL score threshold <= 0.5, PMID: 27666373). To our knowledge, functional studies have not been reported for this variant. This variant has not been reported in individuals affected with hereditary cancer in the literature. This variant has been identified in 1/251040 chromosomes in the general population by the Genome Aggregation Database (gnomAD). The available evidence is insufficient to determine the role of this variant in disease conclusively. Therefore, this variant is classified as a Variant of Uncertain Significance.

Ambry Genetics
Classification: Likely benign for Hereditary cancer-predisposing syndrome. Last evaluated: 2022-05-26. Review status: criteria provided, single submitter. Criteria: Ambry Variant Classification Scheme 2023. Collection method: clinical testing. Allele origin: germline.

Labcorp Genetics (formerly Invitae), Labcorp
Classification: Uncertain significance for Hereditary breast ovarian cancer syndrome. Last evaluated: 2022-04-10. Review status: criteria provided, single submitter. Criteria: Invitae Variant Classification Sherloc (09022015). Collection method: clinical testing. Allele origin: germline.
Comment: In summary, the available evidence is currently insufficient to determine the role of this variant in disease. Therefore, it has been classified as a Variant of Uncertain Significance. This sequence change replaces aspartic acid, which is acidic and polar, with glutamic acid, which is acidic and polar, at codon 156 of the BRCA2 protein (p.Asp156Glu). This variant is present in population databases (no rsID available, gnomAD 0.003%). Advanced modeling of protein sequence and biophysical properties (such as structural, functional, and spatial information, amino acid conservation, physicochemical variation, residue mobility, and thermodynamic stability) performed at Invitae indicates that this missense variant is not expected to disrupt BRCA2 protein function. ClinVar contains an entry for this variant (Variation ID: 1006966). This variant has not been reported in the literature in individuals affected with BRCA2-related conditions.